The following is an entry in ClinVar:

ClinVar aggregate classification (germline): Conflicting classifications of pathogenicity. Review status: criteria provided, conflicting classifications (1 of 4 stars). 5 submissions from 5 submitters: Uncertain significance (2); Benign (1); Likely benign (1). 1 of the submissions does not count toward it. Last evaluated 2026-01-15.

Conditions:
Retinitis pigmentosa 38 (RP38). Also called: ROD-CONE DYSTROPHY, CHILDHOOD-ONSET. Identifiers: Orphanet 791, MedGen C3151228, MONDO:0013469, OMIM 613862.
Retinal dystrophy. Also called: Inherited retinal dystrophy. Identifiers: Orphanet 71862, MedGen C0854723, MeSH D058499, MONDO:0019118, HP:0000556.
MERTK-related disorder. Also called: MERTK-related condition.

Allele frequency attached by ClinVar (database versions not stated): 1000 Genomes Project 30x 0.00016; 1000 Genomes Project 0.00020; ESP Exome Variant Server 0.00038.
gnomAD v4.1: 377 of 1,614,212 alleles (0.023%); highest among the groups gnomAD compares: African/African-American, 0.052%; no homozygotes.

Submissions (5):

Labcorp Genetics (formerly Invitae), Labcorp
Classification: Likely benign. Last evaluated: 2026-01-15. Review status: criteria provided, single submitter. Criteria: Invitae Variant Classification Sherloc (09022015). Collection method: clinical testing. Allele origin: germline.

Blueprint Genetics
Classification: Benign. Last evaluated: 2024-10-04. Review status: criteria provided, single submitter. Criteria: ACMG Guidelines, 2015. Collection method: clinical testing. Allele origin: germline.

Dept Of Ophthalmology, Nagoya University
Classification: Uncertain significance for Retinal dystrophy. Last evaluated: 2023-10-01. Review status: criteria provided, single submitter. Criteria: Submitter's publication. Collection method: research. Allele origin: germline. Affected: yes.

Department of Pathology and Laboratory Medicine, Sinai Health System
Classification: Uncertain significance for Retinitis pigmentosa 38. Last evaluated: 2021-07-30. Review status: criteria provided, single submitter. Criteria: ACMG Guidelines, 2015. Collection method: research. Allele origin: germline.

PreventionGenetics, part of Exact Sciences
Classification: Likely benign for MERTK-related condition. Last evaluated: 2024-09-15. Review status: no assertion criteria provided. Collection method: clinical testing. Allele origin: germline. Not counted in ClinVar's aggregate classification.
Comment: This variant is classified as likely benign based on ACMG/AMP sequence variant interpretation guidelines (Richards et al. 2015 PMID: 25741868, with internal and published modifications).

NM_006343.3(MERTK):c.2435A>G (p.Tyr812Cys)

Gene: MERTK (MER proto-oncogene, tyrosine kinase; plus strand). Cytogenetic location: 2q13.
Variant type: single nucleotide variant.
Coding change: c.2435A>G on transcript NM_006343.3 (MANE Select); coding-DNA position 2435, A replaced by G.
Protein change: p.Tyr812Cys; replaces tyrosine 812 with cysteine.
Molecular consequence: missense variant.
Genome position (GRCh38, 1-based): chr2:112,022,343, A>G. VCF-style: chr2-112022343-A-G. GRCh37 (hg19) VCF-style: chr2-112779920-A-G.
Other names: c.2435A>G (NM_006343.2); short protein forms Y812C.
Identifiers: ClinVar variation 1562508 (VCV001562508.12), dbSNP rs141361084, ClinGen allele CA1831831.